The following is an entry in ClinVar:

NM_002447.4(MST1R):c.1869C>G (p.Ser623Arg)

Gene: MST1R (macrophage stimulating 1 receptor; minus strand). Cytogenetic location: 3p21.31.
Variant type: single nucleotide variant.
Coding change: c.1869C>G on transcript NM_002447.4 (MANE Select); coding-DNA position 1869, C replaced by G.
Protein change: p.Ser623Arg; replaces serine 623 with arginine.
Molecular consequence: missense variant. On other transcripts: non-coding transcript variant (1).
Genome position (GRCh38, 1-based): chr3:49,898,062, G>C on the plus strand (C>G on the coding strand, the complement: MST1R is on the minus strand). VCF-style: chr3-49898062-G-C. GRCh37 (hg19) VCF-style: chr3-49935495-G-C.
Other names: NC_000003.11:g.49935495G>C; c.1869C>G, p.Ser623Arg (NM_001244937.3); c.1551C>G, p.Ser517Arg (NM_001318913.2); short protein forms S517R, S623R.
Identifiers: ClinVar variation 3034873 (VCV003034873.3), dbSNP rs147926223, ClinGen allele CA2409103.

ClinVar aggregate classification (germline): Likely benign (0 of 4 stars; one submission).

Conditions:
MST1R-related disorder. Also called: MST1R-related condition.

Allele frequency attached by ClinVar (database versions not stated): ExAC 0.00022; 1000 Genomes Project 0.00040; ESP Exome Variant Server 0.00069; gnomAD 0.00072; 1000 Genomes Project 30x 0.00078; TOPMed 0.00086.
gnomAD v4.1: 205 of 1,614,148 alleles (0.013%); highest among the groups gnomAD compares: African/African-American, 0.25%; no homozygotes.

Submissions (2):

PreventionGenetics, part of Exact Sciences
Classification: Likely benign for MST1R-related condition. Last evaluated: 2019-07-29. Review status: no assertion criteria provided. Collection method: clinical testing. Allele origin: germline.
Comment: This variant is classified as likely benign based on ACMG/AMP sequence variant interpretation guidelines (Richards et al. 2015 PMID: 25741868, with internal and published modifications).

Dr. Peter K. Rogan Lab, Western University
No classification provided (evidence only). Condition: Uterine corpus endometrial carcinoma. Review status: no classification provided. Collection method: in vitro. Allele origin: not applicable. Functional consequence: retained intron. Not counted in ClinVar's aggregate classification.